The following is an entry in ClinVar:

ClinVar aggregate classification (germline): Uncertain significance (1 of 4 stars; one submission).

Submission:

Labcorp Genetics (formerly Invitae), Labcorp
Classification: Uncertain significance. Last evaluated: 2022-04-14. Review status: criteria provided, single submitter. Criteria: Invitae Variant Classification Sherloc (09022015). Collection method: clinical testing. Allele origin: germline.
Comment: In summary, the available evidence is currently insufficient to determine the role of this variant in disease. Therefore, it has been classified as a Variant of Uncertain Significance. Algorithms developed to predict the effect of missense changes on protein structure and function are either unavailable or do not agree on the potential impact of this missense change (SIFT: "Tolerated"; PolyPhen-2: "Possibly Damaging"; Align-GVGD: "Class C0"). This variant has not been reported in the literature in individuals affected with CENPF-related conditions. This variant is not present in population databases (gnomAD no frequency). This sequence change replaces alanine, which is neutral and non-polar, with proline, which is neutral and non-polar, at codon 437 of the CENPF protein (p.Ala437Pro).

NM_016343.4(CENPF):c.1309G>C (p.Ala437Pro)

Gene: CENPF (centromere protein F; plus strand). Cytogenetic location: 1q41.
Variant type: single nucleotide variant.
Coding change: c.1309G>C on transcript NM_016343.4 (MANE Select); coding-DNA position 1309, G replaced by C.
Protein change: p.Ala437Pro; replaces alanine 437 with proline.
Molecular consequence: missense variant.
Genome position (GRCh38, 1-based): chr1:214,630,648, G>C. VCF-style: chr1-214630648-G-C. GRCh37 (hg19) VCF-style: chr1-214803991-G-C.
Other names: short protein forms A437P.
Identifiers: ClinVar variation 2123184 (VCV002123184.4), dbSNP rs2528370538, ClinGen allele CA344814631.